The following is an entry in ClinVar:

NM_000264.5(PTCH1):c.2561-1786C>T

Genes: PTCH1 (patched 1; minus strand), LOC100507346 (uncharacterized LOC100507346; plus strand). Cytogenetic location: 9q22.32.
Variant type: single nucleotide variant.
Coding change: c.2561-1786C>T on transcript NM_000264.5 (MANE Select); 1786 bases into the intron before coding-DNA position 2561, C replaced by T.
Molecular consequence: intron variant. On other transcripts: non-coding transcript variant (1).
Genome position (GRCh38, 1-based): chr9:95,463,784, G>A on the plus strand (C>T on the coding strand, the complement: PTCH1 is on the minus strand). VCF-style: chr9-95463784-G-A. GRCh37 (hg19) VCF-style: chr9-98226066-G-A.
Other names: c.2558-1786C>T (NM_001083603.3); c.2363-1786C>T (NM_001083602.3); c.2405-1786C>T (NM_001354918.2); c.2108-1786C>T (NM_001083605.3, NM_001083604.3, NM_001083606.3 and 1 more transcripts).
Identifiers: ClinVar variation 683967 (VCV000683967.1), dbSNP rs867452, ClinGen allele CA16368244.

ClinVar aggregate classification (germline): Benign (1 of 4 stars; one submission).

Allele frequency attached by ClinVar (database versions not stated): 1000 Genomes Project 0.10863; 1000 Genomes Project 30x 0.10915; gnomAD 0.12036 and 0.12332; TOPMed 0.12070.
gnomAD v4.1: 18,227 of 152,104 alleles (12%); highest among the groups gnomAD compares: African/African-American, 17%; 1,207 homozygotes.

Submission:

GeneDx
Classification: Benign. Last evaluated: 2018-06-14. Review status: criteria provided, single submitter. Criteria: GeneDx Variant Classification (06012015). Collection method: clinical testing. Allele origin: germline. Affected: yes.
Comment: This variant is considered likely benign or benign based on one or more of the following criteria: it is a conservative change, it occurs at a poorly conserved position in the protein, it is predicted to be benign by multiple in silico algorithms, and/or has population frequency not consistent with disease.